The following is an entry in ClinVar:

ClinVar aggregate classification (germline): Uncertain significance. Review status: criteria provided, multiple submitters, no conflicts (2 of 4 stars). 2 submissions from 2 submitters: Uncertain significance (2). Last evaluated 2025-03-03.

Conditions:
Hearing impairment. Also called: Impaired Hearing. Identifiers: MedGen C1384666, MONDO:0005365, HP:0000365.

Allele frequency attached by ClinVar (database versions not stated): gnomAD exomes 0.00001 and 0.00002; gnomAD 0.00001.
gnomAD v4.1: 10 of 1,609,242 alleles (0.00062%); highest among the groups gnomAD compares: East Asian, 0.0067%; no homozygotes.

Submissions (2):

Labcorp Genetics (formerly Invitae), Labcorp
Classification: Uncertain significance. Last evaluated: 2025-03-03. Review status: criteria provided, single submitter. Criteria: Invitae Variant Classification Sherloc (09022015). Collection method: clinical testing. Allele origin: germline.
Comment: This sequence change replaces glutamic acid, which is acidic and polar, with lysine, which is basic and polar, at codon 280 of the ABHD12 protein (p.Glu280Lys). This variant is present in population databases (no rsID available, gnomAD 0.02%). This variant has not been reported in the literature in individuals affected with ABHD12-related conditions. ClinVar contains an entry for this variant (Variation ID: 1065020). Invitae Evidence Modeling of protein sequence and biophysical properties (such as structural, functional, and spatial information, amino acid conservation, physicochemical variation, residue mobility, and thermodynamic stability) indicates that this missense variant is not expected to disrupt ABHD12 protein function with a negative predictive value of 80%. Algorithms developed to predict the effect of sequence changes on RNA splicing suggest that this variant may disrupt the consensus splice site. In summary, the available evidence is currently insufficient to determine the role of this variant in disease. Therefore, it has been classified as a Variant of Uncertain Significance.

Department of Otolaryngology – Head & Neck Surgery, Cochlear Implant Center
Classification: Uncertain significance for Hearing impairment. Last evaluated: 2021-04-12. Review status: criteria provided, single submitter. Criteria: ClinGen HL ACMG Specifications v1. Collection method: clinical testing. Allele origin: germline. Affected: yes.
Comment: PM2_Moderate, PP3_Supporting

NM_001042472.3(ABHD12):c.838G>A (p.Glu280Lys)

Gene: ABHD12 (abhydrolase domain containing 12, lysophospholipase; minus strand). Cytogenetic location: 20p11.21.
Variant type: single nucleotide variant.
Coding change: c.838G>A on transcript NM_001042472.3 (MANE Select); coding-DNA position 838, G replaced by A.
Protein change: p.Glu280Lys; replaces glutamic acid 280 with lysine.
Molecular consequence: missense variant.
Genome position (GRCh38, 1-based): chr20:25,307,995, C>T on the plus strand (G>A on the coding strand, the complement: ABHD12 is on the minus strand). VCF-style: chr20-25307995-C-T. GRCh37 (hg19) VCF-style: chr20-25288631-C-T.
Other names: c.838G>A, p.Glu280Lys (NM_015600.5); short protein forms E280K.
Identifiers: ClinVar variation 1065020 (VCV001065020.5), dbSNP rs995580201, ClinGen allele CA408455863.